The following is an entry in ClinVar:

ClinVar aggregate classification (germline): Conflicting classifications of pathogenicity. Review status: criteria provided, conflicting classifications (1 of 4 stars). 3 submissions from 1 submitter: Uncertain significance (1); Benign (1); Likely benign (1). Last evaluated 2018-01-13.

Conditions:
Leber congenital amaurosis 7 (LCA7). Identifiers: Orphanet 65, MedGen C3151192, MONDO:0013449, OMIM 613829.
Retinitis pigmentosa (RP). Identifiers: Orphanet 791, MedGen C0035334, MeSH D012174, MONDO:0019200, OMIM 268000. Inheritance: Autosomal dominant, autosomal recessive and X linked inheritance.
Cone-rod dystrophy 2 (CORD2). Also called: CONE-ROD RETINAL DYSTROPHY; Cone-rod retinal dystrophy 2. Identifiers: Orphanet 1872, MedGen C3489532, MONDO:0007362, OMIM 120970.

Allele frequency attached by ClinVar (database versions not stated): gnomAD 0.00006 and 0.00008; TOPMed 0.00009; 1000 Genomes Project 30x 0.00031; 1000 Genomes Project 0.00060.

Submissions (3):

Illumina Laboratory Services, Illumina
Classification: Uncertain significance for Leber congenital amaurosis 7. Last evaluated: 2018-01-13. Review status: criteria provided, single submitter. Criteria: ICSL Variant Classification Criteria 13 December 2019. Collection method: clinical testing. Allele origin: germline.

Illumina Laboratory Services, Illumina
Classification: Benign for Cone-rod dystrophy 2. Last evaluated: 2018-01-13. Review status: criteria provided, single submitter. Criteria: ICSL Variant Classification Criteria 13 December 2019. Collection method: clinical testing. Allele origin: germline.
Comment: This variant was observed in the ICSL laboratory as part of a predisposition screen in an ostensibly healthy population. It had not been previously curated by ICSL or reported in the Human Gene Mutation Database (HGMD: prior to June 1st, 2018), and was therefore a candidate for classification through an automated scoring system. Utilizing variant allele frequency, disease prevalence and penetrance estimates, and inheritance mode, an automated score was calculated to assess if this variant is too frequent to cause the disease. Based on the score and internal cut-off values, a variant classified as benign is not then subjected to further curation. The score for this variant resulted in a classification of benign for this disease.

Illumina Laboratory Services, Illumina
Classification: Likely benign for Retinitis pigmentosa. Last evaluated: 2018-01-13. Review status: criteria provided, single submitter. Criteria: ICSL Variant Classification Criteria 13 December 2019. Collection method: clinical testing. Allele origin: germline.
Comment: This variant was observed in the ICSL laboratory as part of a predisposition screen in an ostensibly healthy population. It had not been previously curated by ICSL or reported in the Human Gene Mutation Database (HGMD: prior to June 1st, 2018), and was therefore a candidate for classification through an automated scoring system. Utilizing variant allele frequency, disease prevalence and penetrance estimates, and inheritance mode, an automated score was calculated to assess if this variant is too frequent to cause the disease. Based on the score and internal cut-off values, a variant classified as likely benign is not then subjected to further curation. The score for this variant resulted in a classification of likely benign for this disease.

NM_000554.6(CRX):c.*2539C>T

Gene: CRX (cone-rod homeobox; plus strand). Cytogenetic location: 19q13.33.
Variant type: single nucleotide variant.
Coding change: c.*2539C>T on transcript NM_000554.6 (MANE Select); 2539 bases downstream of the stop codon, C replaced by T.
Molecular consequence: 3 prime UTR variant.
Genome position (GRCh38, 1-based): chr19:47,842,506, C>T. VCF-style: chr19-47842506-C-T. GRCh37 (hg19) VCF-style: chr19-48345763-C-T.
Identifiers: ClinVar variation 329764 (VCV000329764.5), dbSNP rs146417527, ClinGen allele CA10643087.